The following is an entry in ClinVar:

ClinVar aggregate classification (germline): Pathogenic (1 of 4 stars; one submission).

Conditions:
Inborn genetic diseases. Identifiers: MedGen C0950123, MeSH D030342.

Submission:

Ambry Genetics
Classification: Pathogenic for Inborn genetic diseases. Last evaluated: 2017-04-24. Review status: criteria provided, single submitter. Criteria: Ambry Variant Classification Scheme 2023. Collection method: clinical testing. Allele origin: germline.
Comment: The c.3937dupA pathogenic mutation, located in coding exon 16 of the NIPBL gene, results from a duplication of A at nucleotide position 3937, causing a translational frameshift with a predicted alternate stop codon (p.T1313Nfs*10). This alteration is expected to result in loss of function by premature protein truncation or nonsense-mediated mRNA decay. As such, this alteration is interpreted as a disease-causing mutation.

NM_133433.4(NIPBL):c.3937dup (p.Thr1313fs)

Gene: NIPBL (NIPBL cohesin loading factor; plus strand). Cytogenetic location: 5p13.2.
Variant type: Duplication.
Coding change: c.3937dup on transcript NM_133433.4 (MANE Select); coding-DNA position 3937, one base duplicated (A; older notation c.3937dupA).
Protein change: p.Thr1313fs; shifts the reading frame from threonine 1313.
Molecular consequence: frameshift variant.
Genome position (GRCh38, 1-based): chr5:37,006,438, A duplicated. VCF-style (leftmost placement, unchanged base first): chr5-37006437-T-TA. GRCh37 (hg19) VCF-style: chr5-37006539-T-TA.
Other names: c.3937dup, p.Thr1313fs (NM_015384.5); short protein forms T1313fs.
Identifiers: ClinVar variation 1736300 (VCV001736300.2), dbSNP rs2478146774, ClinGen allele CA2580073209.